The following is an entry in ClinVar:

NM_000180.4(GUCY2D):c.2767A>G (p.Lys923Glu)

Gene: GUCY2D (guanylate cyclase 2D, retinal; plus strand). Cytogenetic location: 17p13.1.
Variant type: single nucleotide variant.
Coding change: c.2767A>G on transcript NM_000180.4 (MANE Select); coding-DNA position 2767, A replaced by G.
Protein change: p.Lys923Glu; replaces lysine 923 with glutamic acid.
Molecular consequence: missense variant.
Genome position (GRCh38, 1-based): chr17:8,015,049, A>G. VCF-style: chr17-8015049-A-G. GRCh37 (hg19) VCF-style: chr17-7918367-A-G.
Other names: short protein forms K923E.
Identifiers: ClinVar variation 4854445 (VCV004854445.1).
Genomic context (GRCh38, chr17:8,015,049, plus strand): 5'-GACCTGCTCAACGATCTCTACACACTCTTTGATGCCATCATTGGTTCCCACGATGTCTAC[A>G]AGGTGCAGTGTGTAGGGGACAAGCCCTCCTGACCTTCAATTCAGCTTCACCAGCCTCCAG-3'
Protein context (NP_000171.1, residues 913-933): DAIIGSHDVY[Lys923Glu]VETIGDAYMV

ClinVar aggregate classification (germline): Uncertain significance (1 of 4 stars; one submission).

Conditions:
Leber congenital amaurosis 1 (LCA1). Also called: Congenital absence of the rods and cones; Leber's congenital tapetoretinal degeneration; Leber's congenital tapetoretinal dysplasia; RETINAL BLINDNESS, CONGENITAL; AMAUROSIS CONGENITA OF LEBER I. Identifiers: Orphanet 65, MedGen C2931258, MONDO:0008764, OMIM 204000.

Submission:

3billion
Classification: Uncertain significance for Leber congenital amaurosis 1. Last evaluated: 2025-12-10. Review status: criteria provided, single submitter. Criteria: ACMG Guidelines, 2015. Collection method: clinical testing. Allele origin: germline. Affected: yes.
Comment: The variant is not observed in the gnomAD v4.1.0 dataset. Predicted Consequence/Location: Missense variant In silico tool predictions suggest damaging effect of the variant on gene or gene product [REVEL: 0.92 (>=0.6, sensitivity 0.68 and specificity 0.92); 3Cnet: 0.83 (> 0.75, sensitivity 0.96 and precision 0.92)]. Therefore, this variant is classified as VUS according to the recommendation of ACMG/AMP guideline.